The following is an entry in ClinVar:

ClinVar aggregate classification (germline): Uncertain significance (1 of 4 stars; one submission).

Allele frequency attached by ClinVar (database versions not stated): TOPMed 0.00001.
gnomAD v4.1: 1 of 1,606,720 alleles (0.000062%); highest among the groups gnomAD compares: South Asian, 0.0011%; no homozygotes.

Submission:

Labcorp Genetics (formerly Invitae), Labcorp
Classification: Uncertain significance. Last evaluated: 2022-02-18. Review status: criteria provided, single submitter. Criteria: Invitae Variant Classification Sherloc (09022015). Collection method: clinical testing. Allele origin: germline.
Comment: This sequence change replaces asparagine, which is neutral and polar, with serine, which is neutral and polar, at codon 131 of the PPA2 protein (p.Asn131Ser). This variant is not present in population databases (gnomAD no frequency). This variant has not been reported in the literature in individuals affected with PPA2-related conditions. Algorithms developed to predict the effect of missense changes on protein structure and function (SIFT, PolyPhen-2, Align-GVGD) all suggest that this variant is likely to be disruptive. In summary, the available evidence is currently insufficient to determine the role of this variant in disease. Therefore, it has been classified as a Variant of Uncertain Significance.

NM_176869.3(PPA2):c.392A>G (p.Asn131Ser)

Gene: PPA2 (inorganic pyrophosphatase 2; minus strand). Cytogenetic location: 4q24.
Variant type: single nucleotide variant.
Coding change: c.392A>G on transcript NM_176869.3 (MANE Select); coding-DNA position 392, A replaced by G.
Protein change: p.Asn131Ser; replaces asparagine 131 with serine.
Molecular consequence: missense variant. On other transcripts: intron variant (2).
Genome position (GRCh38, 1-based): chr4:105,446,432, T>C on the plus strand (A>G on the coding strand, the complement: PPA2 is on the minus strand). VCF-style: chr4-105446432-T-C. GRCh37 (hg19) VCF-style: chr4-106367589-T-C.
Other names: c.392A>G, p.Asn131Ser (NM_006903.4); c.157+27462A>G (NM_176867.3); c.222+10249A>G (NM_176866.2); short protein forms N131S.
Identifiers: ClinVar variation 1944389 (VCV001944389.2), dbSNP rs1312258197, ClinGen allele CA357802430.